The following is an entry in ClinVar:

NM_000326.5(RLBP1):c.*217A>C

Gene: RLBP1 (retinaldehyde binding protein 1; minus strand). Cytogenetic location: 15q26.1.
Variant type: single nucleotide variant.
Coding change: c.*217A>C on transcript NM_000326.5 (MANE Select); 217 bases downstream of the stop codon, A replaced by C.
Molecular consequence: 3 prime UTR variant.
Genome position (GRCh38, 1-based): chr15:89,210,068, T>G on the plus strand (A>C on the coding strand, the complement: RLBP1 is on the minus strand). VCF-style: chr15-89210068-T-G. GRCh37 (hg19) VCF-style: chr15-89753299-T-G.
Identifiers: ClinVar variation 887403 (VCV000887403.4), dbSNP rs150636501, ClinGen allele CA274531485.
Genomic context (GRCh38, chr15:89,210,068, plus strand): 5'-TCTTTGAAATACAACCTTACACAAAAATCACTGTCTTAAAGCTTCAAGGGCAGGTGGAAA[T>G]ATAACTATCCCCAGTTCTTCTTGTTCAAGGGAATTCCCCCTCCTTTATTACCCATCCCCC-3'

ClinVar aggregate classification (germline): Conflicting classifications of pathogenicity. Review status: criteria provided, conflicting classifications (1 of 4 stars). 3 submissions from 1 submitter: Uncertain significance (1); Likely benign (2). Last evaluated 2018-01-12.

Conditions:
Retinitis pigmentosa (RP). Identifiers: Orphanet 791, MedGen C0035334, MeSH D012174, MONDO:0019200, OMIM 268000. Inheritance: Autosomal dominant, autosomal recessive and X linked inheritance.
Newfoundland cone-rod dystrophy. Identifiers: MedGen C1843815, MONDO:0011839, OMIM 607476.
Pigmentary retinal dystrophy. Also called: Fundus albipunctatus. Identifiers: Orphanet 227796, Orphanet 52427, MedGen C0311338, MONDO:0007639, OMIM 136880, HP:0030642.

Allele frequency attached by ClinVar (database versions not stated): gnomAD exomes 0.00033; 1000 Genomes Project 30x 0.00203; 1000 Genomes Project 0.00240; gnomAD 0.00296 and 0.00319; TOPMed 0.00331.
gnomAD v4.1: 598 of 591,350 alleles (0.1%); highest among the groups gnomAD compares: African/African-American, 1%; 4 homozygotes.

Submissions (3):

Illumina Laboratory Services, Illumina
Classification: Likely benign for Pigmentary retinal dystrophy. Last evaluated: 2018-01-12. Review status: criteria provided, single submitter. Criteria: ICSL Variant Classification Criteria 13 December 2019. Collection method: clinical testing. Allele origin: germline.
Comment: This variant was observed in the ICSL laboratory as part of a predisposition screen in an ostensibly healthy population. It had not been previously curated by ICSL or reported in the Human Gene Mutation Database (HGMD: prior to June 1st, 2018), and was therefore a candidate for classification through an automated scoring system. Utilizing variant allele frequency, disease prevalence and penetrance estimates, and inheritance mode, an automated score was calculated to assess if this variant is too frequent to cause the disease. Based on the score and internal cut-off values, a variant classified as likely benign is not then subjected to further curation. The score for this variant resulted in a classification of likely benign for this disease.

Illumina Laboratory Services, Illumina
Classification: Uncertain significance for Retinitis pigmentosa. Last evaluated: 2018-01-12. Review status: criteria provided, single submitter. Criteria: ICSL Variant Classification Criteria 13 December 2019. Collection method: clinical testing. Allele origin: germline.

Illumina Laboratory Services, Illumina
Classification: Likely benign for Newfoundland cone-rod dystrophy. Last evaluated: 2018-01-12. Review status: criteria provided, single submitter. Criteria: ICSL Variant Classification Criteria 13 December 2019. Collection method: clinical testing. Allele origin: germline.
Comment: the same text as in the submission from Illumina Laboratory Services, Illumina above.